The following is an entry in ClinVar:

ClinVar aggregate classification (germline): Pathogenic/Likely pathogenic. Review status: criteria provided, multiple submitters, no conflicts (2 of 4 stars). 3 submissions from 3 submitters: Pathogenic (1); Likely pathogenic (2). Last evaluated 2025-12-12.

Conditions:
Dermatofibrosis lenticularis disseminata (BOS). Also called: DERMATOFIBROSIS LENTICULARIS DISSEMINATA WITH OSTEOPOIKILOSIS; DERMATOOSTEOPOIKILOSIS; OSTEOPATHIA CONDENSANS DISSEMINATA. Identifiers: Orphanet 1306, MedGen C0265514, MONDO:0008157, OMIM 166700.
LEMD3-related disorder. Also called: LEMD3-related condition.

Submissions (3):

PreventionGenetics, part of Exact Sciences
Classification: Likely pathogenic for LEMD3-related condition. Last evaluated: 2025-12-12. Review status: criteria provided, single submitter. Criteria: ACMG Guidelines, 2015. Collection method: clinical testing. Allele origin: germline.
Comment: The LEMD3 c.1808_1812del5 variant is predicted to result in a frameshift and premature protein termination (p.Thr603Asnfs*3). To our knowledge, this variant has not been reported in the literature or a large population database (gnomAD), indicating this variant is rare. Frameshift variants in LEMD3 are expected to be pathogenic. This variant is interpreted as likely pathogenic.

Labcorp Genetics (formerly Invitae), Labcorp
Classification: Pathogenic. Last evaluated: 2025-07-30. Review status: criteria provided, single submitter. Criteria: Invitae Variant Classification Sherloc (09022015). Collection method: clinical testing. Allele origin: germline.
Comment: This sequence change creates a premature translational stop signal (p.Thr603Asnfs*3) in the LEMD3 gene. It is expected to result in an absent or disrupted protein product. Loss-of-function variants in LEMD3 are known to be pathogenic (PMID: 15489854, 19438932). This variant is not present in population databases (gnomAD no frequency). This variant has not been reported in the literature in individuals affected with LEMD3-related conditions. ClinVar contains an entry for this variant (Variation ID: 1334640). For these reasons, this variant has been classified as Pathogenic.

Greenwood Genetic Center Diagnostic Laboratories, Greenwood Genetic Center
Classification: Likely pathogenic for Dermatofibrosis lenticularis disseminata. Last evaluated: 2021-10-26. Review status: criteria provided, single submitter. Criteria: ACMG Guidelines, 2015. Collection method: clinical testing. Allele origin: germline. Affected: yes.
Comment: PVS1, PM2

Literature cited by the submitters: PubMed 15489854 (cited by Labcorp Genetics (formerly Invitae), Labcorp); PubMed 19438932 (cited by Labcorp Genetics (formerly Invitae), Labcorp).

NM_014319.5(LEMD3):c.1808_1812del (p.Thr603fs)

Gene: LEMD3 (LEM domain containing 3; plus strand). Cytogenetic location: 12q14.3.
Variant type: Deletion.
Coding change: c.1808_1812del on transcript NM_014319.5 (MANE Select); coding-DNA positions 1808 to 1812, 5 bases deleted (CAAAT; older notation c.1808_1812delCAAAT).
Protein change: p.Thr603fs; shifts the reading frame from threonine 603.
Molecular consequence: frameshift variant.
Genome position (GRCh38, 1-based): chr12:65,238,701-65,238,705, CAAAT deleted. VCF-style (leftmost placement, unchanged base first): chr12-65238700-ACAAAT-A. GRCh37 (hg19) VCF-style: chr12-65632480-ACAAAT-A.
Other names: c.1805_1809del, p.Thr602fs (NM_001167614.2); c.1808_1812del5 (NM_014319.4); short protein forms T602fs, T603fs.
Identifiers: ClinVar variation 1334640 (VCV001334640.10), dbSNP rs2136353868, ClinGen allele CA2573053752.